The following is an entry in ClinVar:

ClinVar aggregate classification (germline): Uncertain significance (1 of 4 stars; one submission).

Conditions:
Epilepsy, idiopathic generalized, susceptibility to, 13. Also called: EPILEPSY, JUVENILE MYOCLONIC, SUSCEPTIBILITY TO, 5. Identifiers: Orphanet 307, Orphanet 64280, MedGen C4013473, MONDO:0012627, OMIM 611136.
Epilepsy, childhood absence 4 (ECA4). Also called: EPILEPSY, CHILDHOOD ABSENCE, SUSCEPTIBILITY TO, 4. Identifiers: Orphanet 307, MedGen C1970160.
Idiopathic generalized epilepsy. Also called: EIG; Generalised epilepsy. Identifiers: MedGen C0270850, MONDO:0005579, OMIM 600669.

gnomAD v4.1: 2 of 1,613,858 alleles (0.00012%); highest among the groups gnomAD compares: Non-Finnish European, 0.00017%; no homozygotes.

Submission:

Labcorp Genetics (formerly Invitae), Labcorp
Classification: Uncertain significance for Epilepsy, childhood absence 4; Epilepsy, idiopathic generalized, susceptibility to, 13; Idiopathic generalized epilepsy. Last evaluated: 2023-08-04. Review status: criteria provided, single submitter. Criteria: Invitae Variant Classification Sherloc (09022015). Collection method: clinical testing. Allele origin: germline.
Comment: This variant is not present in population databases (gnomAD no frequency). This sequence change replaces serine, which is neutral and polar, with threonine, which is neutral and polar, at codon 348 of the GABRA1 protein (p.Ser348Thr). This variant has not been reported in the literature in individuals affected with GABRA1-related conditions. Advanced modeling of protein sequence and biophysical properties (such as structural, functional, and spatial information, amino acid conservation, physicochemical variation, residue mobility, and thermodynamic stability) has been performed at Invitae for this missense variant, however the output from this modeling did not meet the statistical confidence thresholds required to predict the impact of this variant on GABRA1 protein function. In summary, the available evidence is currently insufficient to determine the role of this variant in disease. Therefore, it has been classified as a Variant of Uncertain Significance.

NM_001127644.2(GABRA1):c.1043G>C (p.Ser348Thr)

Gene: GABRA1 (gamma-aminobutyric acid type A receptor subunit alpha1; plus strand). Cytogenetic location: 5q34.
Variant type: single nucleotide variant.
Coding change: c.1043G>C on transcript NM_001127644.2 (MANE Select); coding-DNA position 1043, G replaced by C.
Protein change: p.Ser348Thr; replaces serine 348 with threonine.
Molecular consequence: missense variant.
Genome position (GRCh38, 1-based): chr5:161,895,852, G>C. VCF-style: chr5-161895852-G-C. GRCh37 (hg19) VCF-style: chr5-161322858-G-C.
Other names: c.1043G>C, p.Ser348Thr (NM_000806.5, NM_001127643.2, NM_001127645.2 and 1 more transcripts); short protein forms S348T.
Identifiers: ClinVar variation 2932888 (VCV002932888.3), dbSNP rs2532292458, ClinGen allele CA362180481.